The following is an entry in ClinVar:

ClinVar aggregate classification (germline): Conflicting classifications of pathogenicity. Review status: criteria provided, conflicting classifications (1 of 4 stars). 5 submissions from 5 submitters: Pathogenic (1); Uncertain significance (4). Last evaluated 2025-09-24.

Conditions:
GABRG2-related disorder. Also called: GABRG2-related condition.
Inborn genetic diseases. Identifiers: MedGen C0950123, MeSH D030342.
EPILEPSY, CHILDHOOD ABSENCE, SUSCEPTIBILITY TO, 2 (ECA2). Identifiers: Orphanet 64280, MedGen C1843244, OMIM 607681.
Febrile seizures, familial, 8 (FEB8). Also called: CONVULSIONS, FAMILIAL FEBRILE, 8. Identifiers: Orphanet 36387, MedGen C1969810, MONDO:0011891, OMIM 607681.

Submissions (5):

Labcorp Genetics (formerly Invitae), Labcorp
Classification: Pathogenic for Febrile seizures, familial, 8; EPILEPSY, CHILDHOOD ABSENCE, SUSCEPTIBILITY TO, 2. Last evaluated: 2025-09-24. Review status: criteria provided, single submitter. Criteria: Invitae Variant Classification Sherloc (09022015). Collection method: clinical testing. Allele origin: germline.
Comment: This sequence change replaces arginine, which is basic and polar, with leucine, which is neutral and non-polar, at codon 437 of the GABRG2 protein (p.Arg437Leu). This variant is not present in population databases (gnomAD no frequency). This missense change has been observed in individuals with clinical features of GABRG2-related conditions (internal data). It has also been observed to segregate with disease in related individuals. ClinVar contains an entry for this variant (Variation ID: 129126). Invitae Evidence Modeling of protein sequence and biophysical properties (such as structural, functional, and spatial information, amino acid conservation, physicochemical variation, residue mobility, and thermodynamic stability) has been performed for this missense variant. However, the output from this modeling did not meet the statistical confidence thresholds required to predict the impact of this variant on GABRG2 protein function. For these reasons, this variant has been classified as Pathogenic.

GeneDx
Classification: Uncertain significance. Last evaluated: 2025-09-12. Review status: criteria provided, single submitter. Criteria: GeneDx Variant Classification Process June 2021. Collection method: clinical testing. Allele origin: germline. Affected: yes.
Comment: Reported in a proband with epilepsy; however detailed clinical information was not provided (PMID: 39357456); Not observed at significant frequency in large population cohorts (gnomAD); In silico analysis supports that this missense variant has a deleterious effect on protein structure/function; This variant is associated with the following publications: (PMID: 39357456)

Ambry Genetics
Classification: Uncertain significance for Inborn genetic diseases. Last evaluated: 2025-06-25. Review status: criteria provided, single submitter. Criteria: Ambry Variant Classification Scheme 2023. Collection method: clinical testing. Allele origin: germline.
Comment: The c.1310G>T (p.R437L) alteration is located in exon 9 (coding exon 9) of the GABRG2 gene. This alteration results from a G to T substitution at nucleotide position 1310, causing the arginine (R) at amino acid position 437 to be replaced by a leucine (L). This variant was not reported in population-based cohorts in the Genome Aggregation Database (gnomAD). This variant was reported in individuals with features consistent with GABRG2-related seizure disorders (Chourasia, 2024; external communication). This amino acid position is well conserved in available vertebrate species. This missense alteration is located in a region that has a low rate of benign missense variation (Lek, 2016; Firth, 2009). This alteration is predicted to be deleterious by in silico analysis. Based on insufficient or conflicting evidence, the clinical significance of this alteration remains unclear.

PreventionGenetics, part of Exact Sciences
Classification: Uncertain significance for GABRG2-related condition. Last evaluated: 2023-07-03. Review status: criteria provided, single submitter. Criteria: ACMG Guidelines, 2015. Collection method: clinical testing. Allele origin: germline.
Comment: The GABRG2 c.1310G>T variant is predicted to result in the amino acid substitution p.Arg437Leu. To our knowledge, this variant has not been reported in the literature or in a large population database, indicating this variant is rare. At this time, the clinical significance of this variant is uncertain due to the absence of conclusive functional and genetic evidence.

Genetic Services Laboratory, University of Chicago
Classification: Uncertain significance. Last evaluated: 2014-03-24. Review status: criteria provided, single submitter. Criteria: ACMG Guidelines, 2007. Collection method: clinical testing. Allele origin: germline. Inheritance: Autosomal dominant inheritance.

Literature cited by the submitters: PubMed 39357456 (cited by Ambry Genetics).

NM_198904.4(GABRG2):c.1334G>T (p.Arg445Leu)

Gene: GABRG2 (gamma-aminobutyric acid type A receptor subunit gamma2; plus strand). Cytogenetic location: 5q34.
Variant type: single nucleotide variant.
Coding change: c.1334G>T on transcript NM_198904.4 (MANE Select); coding-DNA position 1334, G replaced by T.
Protein change: p.Arg445Leu; replaces arginine 445 with leucine.
Molecular consequence: missense variant. On other transcripts: 3 prime UTR variant (1).
Genome position (GRCh38, 1-based): chr5:162,153,274, G>T. VCF-style: chr5-162153274-G-T. GRCh37 (hg19) VCF-style: chr5-161580280-G-T.
Other names: c.1310G>T, p.Arg437Leu (NM_000816.3); c.1325G>T, p.Arg442Leu (NM_001375339.1); c.*168G>T (NM_001375340.1); c.1331G>T, p.Arg444Leu (NM_001375341.1); c.1307G>T, p.Arg436Leu (NM_001375342.1); c.1430G>T, p.Arg477Leu (NM_001375343.1); c.1373G>T, p.Arg458Leu (NM_001375344.1); c.1244G>T, p.Arg415Leu (NM_001375345.1); and 6 more; short protein forms R485L, R437L, R445L, R297L, R305L, R342L, R415L, R416L.
Identifiers: ClinVar variation 129126 (VCV000129126.21), dbSNP rs587780341, ClinGen allele CA231132.